The following is an entry in ClinVar:

ClinVar aggregate classification (germline): Likely pathogenic (1 of 4 stars; one submission).

Conditions:
Frontonasal dysplasia - severe microphthalmia - severe facial clefting syndrome. Identifiers: Orphanet 306542, MedGen C3150706, MONDO:0013271, OMIM 613456.

gnomAD v4.1: 1 of 1,613,240 alleles (0.000062%); highest among the groups gnomAD compares: Non-Finnish European, 0.000085%; no homozygotes.

Submission:

3billion
Classification: Likely pathogenic for Frontonasal dysplasia - severe microphthalmia - severe facial clefting syndrome. Review status: criteria provided, single submitter. Criteria: ACMG Guidelines, 2015. Collection method: clinical testing. Allele origin: unknown. Affected: yes. Observed: 1 heterozygote.
Comment: The variant is not observed in the gnomAD v2.1.1 dataset. The variant is predicted to result in a loss or disruption of normal protein function through nonsense-mediated decay (NMD) or protein truncation. Multiple pathogenic variants are reported downstream of the variant. Therefore, this variant is classified as Likely pathogenic according to the recommendation of ACMG/AMP guideline.

NM_006982.3(ALX1):c.151C>T (p.Gln51Ter)

Genes: ALX1 (ALX homeobox 1; plus strand), LOC124629423 (Sharpr-MPRA regulatory region 79; plus strand). Cytogenetic location: 12q21.31.
Variant type: single nucleotide variant.
Coding change: c.151C>T on transcript NM_006982.3 (MANE Select); coding-DNA position 151, C replaced by T.
Protein change: p.Gln51Ter; replaces glutamine 51 with a stop codon.
Molecular consequence: nonsense.
Genome position (GRCh38, 1-based): chr12:85,280,412, C>T. VCF-style: chr12-85280412-C-T. GRCh37 (hg19) VCF-style: chr12-85674190-C-T.
Other names: short protein forms Q51*.
Identifiers: ClinVar variation 2572390 (VCV002572390.1), dbSNP rs781138367, ClinGen allele CA386105586.